The following is an entry in ClinVar:

NM_005670.4(EPM2A):c.620G>A (p.Arg207His)

Gene: EPM2A (EPM2A glucan phosphatase, laforin; minus strand). Cytogenetic location: 6q24.3.
Variant type: single nucleotide variant.
Coding change: c.620G>A on transcript NM_005670.4 (MANE Select); coding-DNA position 620, G replaced by A.
Protein change: p.Arg207His; replaces arginine 207 with histidine.
Molecular consequence: missense variant. On other transcripts: intron variant (1).
Genome position (GRCh38, 1-based): chr6:145,635,343, C>T on the plus strand (G>A on the coding strand, the complement: EPM2A is on the minus strand). VCF-style: chr6-145635343-C-T. GRCh37 (hg19) VCF-style: chr6-145956479-C-T.
Other names: p.R207H:CGC>CAC; c.620G>A, p.Arg207His (NM_001018041.2, NM_001368130.1); c.206G>A, p.Arg69His (NM_001360064.2, NM_001360071.2, NM_001368131.1); c.158G>A, p.Arg53His (NM_001368129.2, NM_001368132.1); c.477-7650G>A (NM_001360057.2); short protein forms R207H, R53H, R69H.
Identifiers: ClinVar variation 205428 (VCV000205428.23), dbSNP rs571938170, ClinGen allele CA314488.
Genomic context (GRCh38, chr6:145,635,343, plus strand): 5'-GCCAAGCCTTCTTCCCTATATAGTTTAATCATAGTGTCTGGAGTCATGGGCTCTGGGTAG[C>T]GGTTACAGCCTGAGGAATTCTGTACAATATCCCATTCAGTCTGGAAATTCATTACAGCTG-3'
Protein context (NP_005661.1, residues 197-217): DIVQNSSGCN[Arg207His]YPEPMTPDTM

ClinVar aggregate classification (germline): Conflicting classifications of pathogenicity. Review status: criteria provided, conflicting classifications (1 of 4 stars). 6 submissions from 6 submitters: Uncertain significance (3); Likely benign (2). 1 of the submissions does not count toward it. Last evaluated 2024-04-25.

Conditions:
EPM2A-related disorder. Also called: EPM2A-related condition.
Progressive myoclonic epilepsy. Also called: Familial progressive myoclonic epilepsy; Myoclonus epilepsy; Progressive myoclonus epilepsy; Myoclonic Epilepsies, Progressive. Identifiers: Orphanet 308, Orphanet 98261, MedGen C0751778, MONDO:0020074.
Inborn genetic diseases. Identifiers: MedGen C0950123, MeSH D030342.
Intellectual disability. Also called: Intellectual functioning disability; Intellectual developmental disorder; intellectual disabilities. Identifiers: MedGen C3714756, MeSH D008607, MONDO:0001071, HP:0001249.

Allele frequency attached by ClinVar (database versions not stated): TOPMed 0.00001; gnomAD 0.00010 and 0.00002; gnomAD exomes 0.00043 and 0.00020; ExAC 0.00051; 1000 Genomes Project 0.00080; 1000 Genomes Project 30x 0.00078.
gnomAD v4.1: 309 of 1,614,046 alleles (0.019%); highest among the groups gnomAD compares: South Asian, 0.31%; 1 homozygote.

Submissions (6):

Labcorp Genetics (formerly Invitae), Labcorp
Classification: Likely benign for Progressive myoclonic epilepsy. Last evaluated: 2024-04-25. Review status: criteria provided, single submitter. Criteria: Invitae Variant Classification Sherloc (09022015). Collection method: clinical testing. Allele origin: germline.

Cambridge Genomics Laboratory, East Genomic Laboratory Hub, NHS Genomic Medicine Service
Classification: Uncertain significance for Intellectual disability. Last evaluated: 2020-04-29. Review status: criteria provided, single submitter. Criteria: ACGS Best Practice Guidelines for Variant Classification in Rare Disease 2020. Collection method: clinical testing. Allele origin: germline. Affected: yes. Observed: 1 variant allele.

GeneDx
Classification: Likely benign. Last evaluated: 2019-04-10. Review status: criteria provided, single submitter. Criteria: GeneDx Variant Classification Process June 2021. Collection method: clinical testing. Allele origin: germline. Affected: yes.

Ambry Genetics
Classification: Uncertain significance for Inborn genetic diseases. Last evaluated: 2018-10-20. Review status: criteria provided, single submitter. Criteria: Ambry Variant Classification Scheme 2023. Collection method: clinical testing. Allele origin: germline.
Comment: The p.R207H variant (also known as c.620G>A), located in coding exon 3 of the EPM2A gene, results from a G to A substitution at nucleotide position 620. The arginine at codon 207 is replaced by histidine, an amino acid with highly similar properties. This amino acid position is highly conserved in available vertebrate species. In addition, this alteration is predicted to be deleterious by in silico analysis. Since supporting evidence is limited at this time, the clinical significance of this alteration remains unclear.

Eurofins Ntd Llc (ga)
Classification: Uncertain significance. Last evaluated: 2016-09-13. Review status: criteria provided, single submitter. Criteria: EGL Classification Definitions 2015. Collection method: clinical testing. Allele origin: germline. Observed: 2 variant alleles, 2 heterozygotes.

PreventionGenetics, part of Exact Sciences
Classification: Likely benign for EPM2A-related condition. Last evaluated: 2020-10-12. Review status: no assertion criteria provided. Collection method: clinical testing. Allele origin: germline. Not counted in ClinVar's aggregate classification.
Comment: This variant is classified as likely benign based on ACMG/AMP sequence variant interpretation guidelines (Richards et al. 2015 PMID: 25741868, with internal and published modifications).